The following is an entry in ClinVar:

ClinVar aggregate classification (germline): Uncertain significance. Review status: criteria provided, multiple submitters, no conflicts (2 of 4 stars). 3 submissions from 3 submitters: Uncertain significance (3). Last evaluated 2025-03-17.

Conditions:
Intellectual developmental disorder, X-linked 46. Also called: Intellectual disability, X-linked 46. Identifiers: Orphanet 777, MedGen C1845526, MONDO:0010326, OMIM 300436.
ARHGEF6-related disorder. Also called: ARHGEF6-related condition.

Allele frequency attached by ClinVar (database versions not stated): gnomAD exomes below 0.00001; TOPMed 0.00002.
gnomAD v4.1: 8 of 1,210,579 alleles (0.00066%); highest among the groups gnomAD compares: African/African-American, 0.0069%; no homozygotes.

Submissions (3):

PreventionGenetics, part of Exact Sciences
Classification: Uncertain significance for ARHGEF6-related condition. Last evaluated: 2025-03-17. Review status: criteria provided, single submitter. Criteria: ACMG Guidelines, 2015. Collection method: clinical testing. Allele origin: germline.
Comment: The ARHGEF6 c.2024G>T variant is predicted to result in the amino acid substitution p.Gly675Val. To our knowledge, this variant has not been reported in the literature or in a large population database (gnomAD), indicating this variant is rare. At this time, the clinical significance of this variant is uncertain due to the absence of conclusive functional and genetic evidence.

Ambry Genetics
Classification: Uncertain significance. Last evaluated: 2021-07-13. Review status: criteria provided, single submitter. Criteria: Ambry Variant Classification Scheme 2023. Collection method: clinical testing. Allele origin: germline.

Baylor Genetics
Classification: Uncertain significance for Intellectual developmental disorder, X-linked 46. Last evaluated: 2020-02-18. Review status: criteria provided, single submitter. Criteria: ACMG Guidelines, 2015. Collection method: clinical testing. Allele origin: unknown. Affected: yes.
Comment: This variant was determined to be of uncertain significance according to ACMG Guidelines, 2015 [PMID:25741868].

NM_004840.3(ARHGEF6):c.2024G>T (p.Gly675Val)

Gene: ARHGEF6 (Rac/Cdc42 guanine nucleotide exchange factor 6; minus strand). Cytogenetic location: Xq26.3.
Variant type: single nucleotide variant.
Coding change: c.2024G>T on transcript NM_004840.3 (MANE Select); coding-DNA position 2024, G replaced by T.
Protein change: p.Gly675Val; replaces glycine 675 with valine.
Molecular consequence: missense variant.
Genome position (GRCh38, 1-based): chrX:136,675,018, C>A on the plus strand (G>T on the coding strand, the complement: ARHGEF6 is on the minus strand). VCF-style: chrX-136675018-C-A. GRCh37 (hg19) VCF-style: chrX-135757177-C-A.
Other names: c.1562G>T, p.Gly521Val (NM_001306177.2); short protein forms G521V, G675V.
Identifiers: ClinVar variation 1028305 (VCV001028305.5), dbSNP rs1426557239, ClinGen allele CA414758895.
Genomic context (GRCh38, chrX:136,675,018, plus strand): 5'-GTAAGGAAGAAACGTCACTCACTAGAGAAAGTAGTTTGGGGGAACCTACTTGAGCCATGG[C>A]CTTGTTGAAAATTTGCGCTGGTGCAGTAGGCTTCGATCACTTTAAGGATTTGAGCATCCT-3'
Protein context (NP_004831.1, residues 665-685): AYCTSANFQQ[Gly675Val]HGSSTRKDSI